The following is an entry in ClinVar:

NM_201548.5(CERKL):c.735G>C (p.Leu245=)

Gene: CERKL (CERK like autophagy regulator; minus strand). Cytogenetic location: 2q31.3.
Variant type: single nucleotide variant.
Coding change: c.735G>C on transcript NM_201548.5 (MANE Select); coding-DNA position 735, G replaced by C.
Protein change: p.Leu245=; no amino-acid change (leucine 245 retained).
Molecular consequence: synonymous variant. On other transcripts: non-coding transcript variant (2), intron variant (2).
Genome position (GRCh38, 1-based): chr2:181,558,651, C>G on the plus strand (G>C on the coding strand, the complement: CERKL is on the minus strand). VCF-style: chr2-181558651-C-G. GRCh37 (hg19) VCF-style: chr2-182423378-C-G.
Other names: c.813G>C, p.Leu271= (NM_001030311.3); c.681G>C, p.Leu227= (NM_001160277.2); c.482-8943G>C (NM_001030312.3); c.614-8943G>C (NM_001030313.3).
Identifiers: ClinVar variation 333009 (VCV000333009.50), dbSNP rs140898616, ClinGen allele CA2010673.

ClinVar aggregate classification (germline): Conflicting classifications of pathogenicity. Review status: criteria provided, conflicting classifications (1 of 4 stars). 8 submissions from 8 submitters: Uncertain significance (2); Likely benign (4). 2 of the submissions do not count toward it. Last evaluated 2026-01-28.

Conditions:
Retinitis pigmentosa (RP). Identifiers: Orphanet 791, MedGen C0035334, MeSH D012174, MONDO:0019200, OMIM 268000. Inheritance: Autosomal dominant, autosomal recessive and X linked inheritance.
Retinitis pigmentosa 26 (RP26). Identifiers: Orphanet 791, MedGen C1842127, MONDO:0012024, OMIM 608380.

Allele frequency attached by ClinVar (database versions not stated): 1000 Genomes Project 30x 0.00078; 1000 Genomes Project 0.00080; ESP Exome Variant Server 0.00090; gnomAD 0.00092 and 0.00093; TOPMed 0.00095.
gnomAD v4.1: 1,107 of 1,613,738 alleles (0.069%); highest among the groups gnomAD compares: Middle Eastern, 1.1%; 3 homozygotes.

Submissions (10):

Labcorp Genetics (formerly Invitae), Labcorp
Classification: Likely benign. Last evaluated: 2026-01-28. Review status: criteria provided, single submitter. Criteria: Invitae Variant Classification Sherloc (09022015). Collection method: clinical testing. Allele origin: germline.

Blueprint Genetics
Classification: Likely benign. Last evaluated: 2024-11-01. Review status: criteria provided, single submitter. Criteria: ACMG Guidelines, 2015. Collection method: clinical testing. Allele origin: germline.

CeGaT Center for Human Genetics Tuebingen
Classification: Likely benign. Last evaluated: 2024-07-01. Review status: criteria provided, single submitter. Criteria: CeGaT Center For Human Genetics Tuebingen Variant Classification Criteria Version 2. Collection method: clinical testing. Allele origin: germline. Affected: yes. Observed: 2 variant alleles.
Comment: CERKL: BP4, BP7

Illumina Laboratory Services, Illumina
Classification: Uncertain significance for Retinitis pigmentosa. Last evaluated: 2018-01-13. Review status: criteria provided, single submitter. Criteria: ICSL Variant Classification Criteria 13 December 2019. Collection method: clinical testing. Allele origin: germline.

Clinical Genetics DNA and cytogenetics Diagnostics Lab, Erasmus MC, Erasmus Medical Center
Classification: Likely benign for Retinitis pigmentosa 26. Last evaluated: 2017-06-28. Review status: criteria provided, single submitter. Criteria: ACGS Guidelines, 2013. Collection method: clinical testing. Allele origin: germline. Affected: yes. Study: VKGL Data-share Consensus.

Eurofins Ntd Llc (ga)
Classification: Uncertain significance. Last evaluated: 2017-04-14. Review status: criteria provided, single submitter. Criteria: EGL Classification Definitions 2015. Collection method: clinical testing. Allele origin: germline. Observed: 1 variant allele, 1 heterozygote.

Natera, Inc.
Classification: Likely benign for Retinitis pigmentosa type 26. Last evaluated: 2020-06-26. Review status: no assertion criteria provided. Collection method: clinical testing. Allele origin: germline. Not counted in ClinVar's aggregate classification.

Clinical Genetics, Academic Medical Center
Classification: Likely benign. Review status: no assertion criteria provided. Collection method: clinical testing. Allele origin: germline. Affected: yes. Study: VKGL Data-share Consensus. Not counted in ClinVar's aggregate classification.

Dr. Peter K. Rogan Lab, Western University
No classification provided (evidence only). Condition: Ovarian serous cystadenocarcinoma. Review status: no classification provided. Collection method: in vitro. Allele origin: not applicable. Functional consequence: retained intron. Not counted in ClinVar's aggregate classification.

Dr. Peter K. Rogan Lab, Western University
No classification provided (evidence only). Condition: Malignant tumor of esophagus. Review status: no classification provided. Collection method: in vitro. Allele origin: not applicable. Functional consequence: retained intron. Not counted in ClinVar's aggregate classification.